The following is an entry in ClinVar:

ClinVar aggregate classification (germline): Uncertain significance (1 of 4 stars; one submission).

Conditions:
Chédiak-Higashi syndrome (CHS). Also called: Chediak-Higashi Syndrome. Identifiers: Orphanet 167, MedGen C0007965, MONDO:0008963, OMIM 214500.

gnomAD v4.1: 1 of 1,614,138 alleles (0.000062%); highest among the groups gnomAD compares: Non-Finnish European, 0.000085%; no homozygotes.

Submission:

Labcorp Genetics (formerly Invitae), Labcorp
Classification: Uncertain significance for Chédiak-Higashi syndrome. Last evaluated: 2023-08-06. Review status: criteria provided, single submitter. Criteria: Invitae Variant Classification Sherloc (09022015). Collection method: clinical testing. Allele origin: germline.
Comment: In summary, the available evidence is currently insufficient to determine the role of this variant in disease. Therefore, it has been classified as a Variant of Uncertain Significance. Algorithms developed to predict the effect of missense changes on protein structure and function output the following: SIFT: "Not Available"; PolyPhen-2: "Benign"; Align-GVGD: "Not Available". The histidine amino acid residue is found in multiple mammalian species, which suggests that this missense change does not adversely affect protein function. ClinVar contains an entry for this variant (Variation ID: 1383036). This variant has not been reported in the literature in individuals affected with LYST-related conditions. This variant is present in population databases (rs143389299, gnomAD 0.0009%). This sequence change replaces glutamine, which is neutral and polar, with histidine, which is basic and polar, at codon 572 of the LYST protein (p.Gln572His).

NM_000081.4(LYST):c.1716G>T (p.Gln572His)

Gene: LYST (lysosomal trafficking regulator; minus strand). Cytogenetic location: 1q42.3.
Variant type: single nucleotide variant.
Coding change: c.1716G>T on transcript NM_000081.4 (MANE Select); coding-DNA position 1716, G replaced by T.
Protein change: p.Gln572His; replaces glutamine 572 with histidine.
Molecular consequence: missense variant.
Genome position (GRCh38, 1-based): chr1:235,809,102, C>A on the plus strand (G>T on the coding strand, the complement: LYST is on the minus strand). VCF-style: chr1-235809102-C-A. GRCh37 (hg19) VCF-style: chr1-235972402-C-A.
Other names: c.1716G>T, p.Gln572His (NM_001301365.1); short protein forms Q572H.
Identifiers: ClinVar variation 1383036 (VCV001383036.3), dbSNP rs143389299, ClinGen allele CA1467417.